The following is an entry in ClinVar:

NM_014423.4(AFF4):c.1050+3A>G

Gene: AFF4 (ALF transcription elongation factor 4; minus strand). Cytogenetic location: 5q31.1.
Variant type: single nucleotide variant.
Coding change: c.1050+3A>G on transcript NM_014423.4 (MANE Select); 3 bases into the intron after coding-DNA position 1050, A replaced by G.
Molecular consequence: intron variant.
Genome position (GRCh38, 1-based): chr5:132,927,118, T>C on the plus strand (A>G on the coding strand, the complement: AFF4 is on the minus strand). VCF-style: chr5-132927118-T-C. GRCh37 (hg19) VCF-style: chr5-132262810-T-C.
Identifiers: ClinVar variation 3356417 (VCV003356417.1).
Genomic context (GRCh38, chr5:132,927,118, plus strand): 5'-ATGATTTTAGTCAAGCCATTTAGAGTTTTCTTACATTATGAAAGATACATTTTATTTACT[T>C]ACCTTAGTTGGAAAAGGAAATTTGGAAGGTTCTGTTTTGCATGGTGTATGAATAGCCGTT-3'

ClinVar aggregate classification (germline): Likely benign (0 of 4 stars; one submission).

Conditions:
AFF4-related disorder. Also called: AFF4-related condition.

Submission:

PreventionGenetics, part of Exact Sciences
Classification: Likely benign for AFF4-related condition. Last evaluated: 2023-06-29. Review status: no assertion criteria provided. Collection method: clinical testing. Allele origin: germline.
Comment: This variant is classified as likely benign based on ACMG/AMP sequence variant interpretation guidelines (Richards et al. 2015 PMID: 25741868, with internal and published modifications).